The following is an entry in ClinVar:

NM_000051.4(ATM):c.7913G>A (p.Trp2638Ter)

Genes: ATM (ATM serine/threonine kinase; plus strand), C11orf65 (chromosome 11 open reading frame 65; minus strand). Cytogenetic location: 11q22.3.
Variant type: single nucleotide variant.
Coding change: c.7913G>A on transcript NM_000051.4 (MANE Select); coding-DNA position 7913, G replaced by A.
Protein change: p.Trp2638Ter; replaces tryptophan 2638 with a stop codon.
Molecular consequence: nonsense. On other transcripts: intron variant (2).
Genome position (GRCh38, 1-based): chr11:108,332,886, G>A. VCF-style: chr11-108332886-G-A. GRCh37 (hg19) VCF-style: chr11-108203613-G-A.
Other names: p.W2638*:TGG>TAG; c.7913G>A, p.Trp2638Ter (NM_001351834.2); c.641-23815C>T (NM_001330368.2); c.*38+2334C>T (NM_001351110.2); short protein forms W2638*.
Identifiers: ClinVar variation 141233 (VCV000141233.52), dbSNP rs377349459, ClinGen allele CA294097.

ClinVar aggregate classification (germline): Pathogenic/Likely pathogenic. Review status: criteria provided, multiple submitters, no conflicts (2 of 4 stars). 23 submissions from 23 submitters: Pathogenic (21); Likely pathogenic (1). 1 of the submissions does not count toward it. Last evaluated 2026-05-10.

Conditions:
ATM-related cancer predisposition. Also called: ATM-related cancer susceptibility. Identifiers: MedGen CN377759, MONDO:0700270.
ATM-related disorder. Also called: ATM-related disorders; ATM-related condition.
Hereditary cancer-predisposing syndrome. Also called: Neoplastic Syndromes, Hereditary; Hereditary Cancer Syndrome; Tumor predisposition; Hereditary neoplastic syndrome. Identifiers: Orphanet 140162, MedGen C0027672, MeSH D009386, MONDO:0015356.
Familial cancer of breast. Also called: BREAST CANCER, FAMILIAL; hereditary breast carcinoma; Hereditary breast cancer. Identifiers: Orphanet 227535, MedGen C0346153, MONDO:0016419, OMIM 114480. Disease mechanism: loss of function.
Ataxia-telangiectasia syndrome (AT). Also called: Ataxia-telangiectasia, complementation group D; AT, COMPLEMENTATION GROUP C; Ataxia-telangiectasia; ATAXIA-TELANGIECTASIA, COMPLEMENTATION GROUP A; ATAXIA-TELANGIECTASIA, FRESNO VARIANT; Ataxia-telangiectasia, complementation group E. Identifiers: Orphanet 100, MedGen C0004135, MONDO:0008840, OMIM 208900.

Allele frequency attached by ClinVar (database versions not stated): TOPMed 0.00008; gnomAD exomes below 0.00001; gnomAD 0.00005 and 0.00006; ESP Exome Variant Server 0.00008; ExAC 0.00001.
gnomAD v4.1: 12 of 1,612,586 alleles (0.00074%); highest among the groups gnomAD compares: African/African-American, 0.013%; no homozygotes.

Submissions 1 to 12 of 23:

PreventionGenetics, part of Exact Sciences
Classification: Pathogenic for ATM-related condition. Last evaluated: 2026-05-10. Review status: criteria provided, single submitter. Criteria: ACMG Guidelines, 2015. Collection method: clinical testing. Allele origin: germline.
Comment: The ATM c.7913G>A variant is predicted to result in premature protein termination (p.Trp2638*). This variant has previously been reported in the homozygous and compound heterozygous states in individuals with ataxia telangiectasia (Sasaki et al. 1998. PubMed ID: 9711876; Coutinho et al. 2004. PubMed ID: 15039971; Demuth et al. 2011. PubMed ID: 21965147). This variant has also been reported in the heterozygous state in individuals with breast, ovarian, prostate and colorectal cancers (Susswein et al. 2015. PubMed ID: 26681312; Pritchard et al. 2016. PubMed ID: 27433846; Pritzlaff et al. 2016. PubMed ID: 28008555; Adedokun et al. 2019. PubMed ID: 31871109). This variant is reported in 0.016% of alleles in individuals of African descent in gnomAD and is interpreted as pathogenic/likely pathogenic in ClinVar (Variation ID: 141233). Nonsense variants in ATM are expected to be pathogenic. This variant is interpreted as pathogenic.

Dasa
Classification: Pathogenic for ATM-related cancer predisposition. Last evaluated: 2026-04-21. Review status: criteria provided, single submitter. Criteria: DASA Assertion Criteria. Collection method: clinical testing. Allele origin: germline.
Comment: NM_000051.4(ATM):c.7913G>A (p.Trp2638*) introduces a premature termination codon predicted to result in loss of normal protein function. Loss-of-function is an established mechanism of disease for this gene. This variant has been recurrently observed in individuals with ATM-related cancer predisposition (PMID: 9711876; PMID: 12815592; PMID: 15039971; PMID: 21965147; PMID: 26681312). The variant is present at low frequency in population datasets. Based on the available data, this variant is classified as pathogenic.

Otogenetics
Classification: Pathogenic for Familial cancer of breast; Ataxia-telangiectasia syndrome. Last evaluated: 2026-02-01. Review status: criteria provided, single submitter. Criteria: ACMG Guidelines, 2015. Collection method: clinical testing. Allele origin: germline.

Labcorp Genetics (formerly Invitae), Labcorp
Classification: Pathogenic for Ataxia-telangiectasia syndrome. Last evaluated: 2026-01-26. Review status: criteria provided, single submitter. Criteria: Invitae Variant Classification Sherloc (09022015). Collection method: clinical testing. Allele origin: germline.
Comment: This sequence change creates a premature translational stop signal (p.Trp2638*) in the ATM gene. It is expected to result in an absent or disrupted protein product. Loss-of-function variants in ATM are known to be pathogenic (PMID: 23807571, 25614872). This variant is present in population databases (rs377349459, gnomAD 0.02%). This premature translational stop signal has been observed in individual(s) with ataxia-telangiectasia, colon cancer, and/or prostate cancer (PMID: 9711876, 12815592, 15039971, 21965147, 26681312, 27433846). ClinVar contains an entry for this variant (Variation ID: 141233). RNA analysis performed to evaluate the impact of this premature translational stop signal on mRNA splicing indicates it does not significantly alter splicing (internal data). For these reasons, this variant has been classified as Pathogenic.

Institute of Human Genetics, Heidelberg University
Classification: Likely pathogenic for Familial cancer of breast. Last evaluated: 2025-05-23. Review status: criteria provided, single submitter. Criteria: ACMG Guidelines, 2015. Collection method: clinical testing. Allele origin: maternal. Observed: 2 variant alleles.
Comment: PVS1_vs, PM2_supp

Quest Diagnostics Nichols Institute San Juan Capistrano
Classification: Pathogenic. Last evaluated: 2025-05-23. Review status: criteria provided, single submitter. Criteria: Quest Diagnostics criteria. Collection method: clinical testing. Allele origin: unknown.
Comment: The ATM c.7913G>A (p.Trp2638*) variant causes the premature termination of ATM protein synthesis. In the published literature, the variant has been reported in individuals with breast cancer (PMID: 31871109 (2019), 28008555 (2017), prostate cancer (PMID: 27433846 (2016), 28008555 (2017)), and colon cancer (PMID: 26681312 (2015)). The variant has been reported along with other ATM pathogenic variants in individuals with ataxia-telangiectasia (PMID: 9711876 (1998), 15039971 (2004), 21965147 (2011)). The frequency of this variant in the general population, 0.00016 (4/24942 chromosomes), is consistent with pathogenicity. Based on the available information, this variant is classified as pathogenic.

Color Diagnostics, LLC DBA Color Health
Classification: Pathogenic for Hereditary cancer-predisposing syndrome. Last evaluated: 2025-03-04. Review status: criteria provided, single submitter. Criteria: ACMG Guidelines, 2015. Collection method: clinical testing. Allele origin: germline.
Comment: This variant changes 1 nucleotide in exon 53 of the ATM gene, creating a premature translation stop signal. This variant is expected to result in an absent or non-functional protein product. This variant has been observed in individuals affected with breast cancer, prostate cancer, colorectal cancer, melanoma (PMID: 26681312, 27433846, 28008555, 31871109, 35353237; DOI: 10.21203/rs.3.rs-1065243/v1), and in homozygous and compound heterozygous carriers affected with ataxia-telangiectasia (PMID: 9711876, 12815592, 15039971, 21965147). Haplotype analyses suggest this variant may be a founder mutation in individuals of African ancestry (PMID: 12815592, 15039971). This variant has been identified in 5/281730 chromosomes in the general population by the Genome Aggregation Database (gnomAD). Loss of ATM function is a known mechanism of disease. Based on the available evidence, this variant is classified as Pathogenic.

Natera, Inc.
Classification: Pathogenic for Ataxia-telangiectasia. Last evaluated: 2025-01-10. Review status: criteria provided, single submitter. Criteria: Natera Variant Classification Schema (03/2026). Collection method: clinical testing. Allele origin: germline.
Comment: The c.7913G>A variant in ATM is a nonsense variant predicted to introduce a stop codon at amino acid 2638. This variant is expected to result in nonsense mediated decay, truncation, or a dysfunctional protein product. This variant is rare in the general population with a frequency below the threshold expected for the associated phenotype(s). This variant has been observed in one or more individuals affected with the associated recessive disease, as either homozygous or compound heterozygous with a second variant (PMID: 15039971). Given the available evidence, this variant is classified as Pathogenic.

Ambry Genetics
Classification: Pathogenic for Hereditary cancer-predisposing syndrome. Last evaluated: 2024-06-27. Review status: criteria provided, single submitter. Criteria: Ambry Variant Classification Scheme 2023. Collection method: clinical testing. Allele origin: germline.
Comment: The p.W2638* pathogenic mutation (also known as c.7913G>A), located in coding exon 52 of the ATM gene, results from a G to A substitution at nucleotide position 7913. This changes the amino acid from a tryptophan to a stop codon within coding exon 52. This variant has been identified in the homozygous state and/or in conjunction with other ATM variant(s) in individual(s) who met clinical criteria for ataxia-telangiectasia (Sasaki T et al. Hum. Mutat. 1998;12:186-95; Mitui M et al. Hum. Mutat. 2003 Jul;22:43-50; Coutinho G et al. Am. J. Med. Genet. A. 2004 Apr;126A:33-40; Demuth I et al. Neurogenetics. 2011 Nov;12:273-82) and has been identified in breast and prostate cancer cohorts (Pritchard CC et al. N. Engl. J. Med. 2016 Aug;375:443-53; Adedokun B et al. Cancer Epidemiol Biomarkers Prev, 2020 02;29:359-367). In addition to the clinical data presented in the literature, this alteration is expected to result in loss of function by premature protein truncation or nonsense-mediated mRNA decay. As such, this alteration is interpreted as a disease-causing mutation.

Fulgent Genetics
Classification: Pathogenic for Familial cancer of breast; Ataxia-telangiectasia syndrome. Last evaluated: 2024-05-21. Review status: criteria provided, single submitter. Criteria: ACMG Guidelines, 2015. Collection method: clinical testing. Allele origin: germline.

Baylor Genetics
Classification: Pathogenic for Familial cancer of breast. Last evaluated: 2024-03-30. Review status: criteria provided, single submitter. Criteria: ACMG Guidelines, 2015. Collection method: clinical testing. Allele origin: unknown.

Myriad Genetics, Inc.
Classification: Pathogenic for Familial cancer of breast. Last evaluated: 2024-02-01. Review status: criteria provided, single submitter. Criteria: Myriad Autosomal Dominant, Autosomal Recessive and X-Linked Classification Criteria (2023). Collection method: clinical testing. Allele origin: unknown.
Comment: This variant is considered pathogenic. This variant creates a termination codon and is predicted to result in premature protein truncation.